The following is an entry in ClinVar:

NM_001905.4(CTPS1):c.1274_1275delinsTT (p.Asp425Val)

Gene: CTPS1 (CTP synthase 1; plus strand). Cytogenetic location: 1p34.2.
Variant type: Indel.
Coding change: c.1274_1275delinsTT on transcript NM_001905.4 (MANE Select); coding-DNA positions 1274 to 1275, AC replaced by TT.
Protein change: p.Asp425Val; replaces aspartic acid 425 with valine.
Molecular consequence: missense variant. On other transcripts: non-coding transcript variant (1).
Genome position (GRCh38, 1-based): chr1:41,006,072-41,006,073, AC replaced by TT. VCF-style: chr1-41006072-AC-TT. GRCh37 (hg19) VCF-style: chr1-41471744-AC-TT.
Other names: c.806_807delinsTT, p.Asp269Val (NM_001301237.2); short protein forms D269V, D425V.
Identifiers: ClinVar variation 1008047 (VCV001008047.7), dbSNP rs1643025482, ClinGen allele CA1164624053.

ClinVar aggregate classification (germline): Uncertain significance (1 of 4 stars; one submission).

Conditions:
Combined immunodeficiency due to CTPS1 deficiency. Also called: Immunodeficiency 24; Severe combined immunodeficiency due to CTPS1 deficiency. Identifiers: Orphanet 420573, MedGen C4014617, MONDO:0014391, OMIM 615897.

Submission:

Labcorp Genetics (formerly Invitae), Labcorp
Classification: Uncertain significance for Combined immunodeficiency due to CTPS1 deficiency. Last evaluated: 2020-06-04. Review status: criteria provided, single submitter. Criteria: Invitae Variant Classification Sherloc (09022015). Collection method: clinical testing. Allele origin: germline.
Comment: In summary, the available evidence is currently insufficient to determine the role of this variant in disease. Therefore, it has been classified as a Variant of Uncertain Significance. Algorithms developed to predict the effect of missense changes on protein structure and function are either unavailable or do not agree on the potential impact of this missense change (SIFT: "Not Available"; PolyPhen-2: "Benign"; Align-GVGD: "Not Available"). This variant has not been reported in the literature in individuals with CTPS1-related conditions. This variant is not present in population databases (ExAC no frequency). This sequence change replaces aspartic acid with valine at codon 425 of the CTPS1 protein (p.Asp425Val). The aspartic acid residue is moderately conserved and there is a large physicochemical difference between aspartic acid and valine.